The following is an entry in ClinVar:

NM_003242.6(TGFBR2):c.1570G>T (p.Asp524Tyr)

Gene: TGFBR2 (transforming growth factor beta receptor 2; plus strand). Cytogenetic location: 3p24.1.
Variant type: single nucleotide variant.
Coding change: c.1570G>T on transcript NM_003242.6 (MANE Select); coding-DNA position 1570, G replaced by T.
Protein change: p.Asp524Tyr; replaces aspartic acid 524 with tyrosine.
Molecular consequence: missense variant.
Genome position (GRCh38, 1-based): chr3:30,691,465, G>T. VCF-style: chr3-30691465-G-T. GRCh37 (hg19) VCF-style: chr3-30732957-G-T.
Other names: c.1645G>T, p.Asp549Tyr (NM_001024847.3); c.1753G>T, p.Asp585Tyr (NM_001407126.1); c.1678G>T, p.Asp560Tyr (NM_001407127.1); c.1597G>T, p.Asp533Tyr (NM_001407128.1); c.1573G>T, p.Asp525Tyr (NM_001407129.1); c.1567G>T, p.Asp523Tyr (NM_001407130.1); c.1465G>T, p.Asp489Tyr (NM_001407132.1, NM_001407133.1, NM_001407134.1 and 2 more transcripts); c.1285G>T, p.Asp429Tyr (NM_001407137.1); and 2 more; short protein forms D524Y, D549Y, D234Y, D429Y, D523Y, D525Y, D533Y, D585Y.
Identifiers: ClinVar variation 177953 (VCV000177953.12), dbSNP rs727504421, ClinGen allele CA020717.

ClinVar aggregate classification (germline): Uncertain significance. Review status: criteria provided, multiple submitters, no conflicts (2 of 4 stars). 2 submissions from 2 submitters: Uncertain significance (2). Last evaluated 2019-04-18.

Conditions:
Familial thoracic aortic aneurysm and aortic dissection (TAAD). Also called: Thoracic aortic aneurysms and dissections. Identifiers: Orphanet 91387, MedGen C4707243, MONDO:0019625.

Allele frequency attached by ClinVar (database versions not stated): gnomAD exomes 0.00001.
gnomAD v4.1: 3 of 1,614,052 alleles (0.00019%); highest among the groups gnomAD compares: African/African-American, 0.0013%; no homozygotes.

Submissions (2):

Labcorp Genetics (formerly Invitae), Labcorp
Classification: Uncertain significance for Familial thoracic aortic aneurysm and aortic dissection. Last evaluated: 2019-04-18. Review status: criteria provided, single submitter. Criteria: Invitae Variant Classification Sherloc (09022015). Collection method: clinical testing. Allele origin: germline.
Comment: In summary, the available evidence is currently insufficient to determine the role of this variant in disease. Therefore, it has been classified as a Variant of Uncertain Significance. This variant disrupts the p.Asp524 amino acid residue in TGFBR2. Other variant(s) that disrupt this residue have been observed in individuals with TGFBR2-related conditions (PMID: 16928994), which suggests that this may be a clinically significant amino acid residue. Algorithms developed to predict the effect of missense changes on protein structure and function are either unavailable or do not agree on the potential impact of this missense change (SIFT: "Deleterious"; PolyPhen-2: "Probably Damaging"; Align-GVGD: "Class C15"). ClinVar contains an entry for this variant (Variation ID: 177953). This variant is not present in population databases (ExAC no frequency). This sequence change replaces aspartic acid with tyrosine at codon 524 of the TGFBR2 protein (p.Asp524Tyr). The aspartic acid residue is highly conserved and there is a large physicochemical difference between aspartic acid and tyrosine.

Laboratory for Molecular Medicine, Mass General Brigham Personalized Medicine
Classification: Uncertain significance. Last evaluated: 2011-09-20. Review status: criteria provided, single submitter. Criteria: LMM Criteria. Collection method: clinical testing. Allele origin: germline. Observed: 1 variant allele.
Comment: Variant classified as Uncertain Significance - Favor Pathogenic. The 1570G>T (As p524Tyr) variant in TGFBR2 has not been reported in the literature. A different variant at the same position, Asp524Asn, has been reported in the literature in one proband with manifestations of Loeys-Dietz syndrome type II (L oeys 2006). The aspartic acid (Asp) residue at position 524 is highly conserved across evolutionarily distant species. Computational analyses (amino acid bioche mical properties, homology, PolyPhen2, SIFT) predict that the Asp524Tyr variant may impact the protein. However, this information is not sufficient to establish pathogenicity. In summary, the clinical significance of this variant cannot be determined with certainty at this time.

Literature cited by the submitters: PubMed 16928994 (cited by Labcorp Genetics (formerly Invitae), Labcorp); PubMed 23884466 (cited by Labcorp Genetics (formerly Invitae), Labcorp).